The following is an entry in ClinVar:

NM_004260.4(RECQL4):c.3530A>G (p.Tyr1177Cys)

Gene: RECQL4 (RecQ like helicase 4; minus strand). Cytogenetic location: 8q24.3.
Variant type: single nucleotide variant.
Coding change: c.3530A>G on transcript NM_004260.4 (MANE Select); coding-DNA position 3530, A replaced by G.
Protein change: p.Tyr1177Cys; replaces tyrosine 1177 with cysteine.
Molecular consequence: missense variant.
Genome position (GRCh38, 1-based): chr8:144,511,528, T>C on the plus strand (A>G on the coding strand, the complement: RECQL4 is on the minus strand). VCF-style: chr8-144511528-T-C. GRCh37 (hg19) VCF-style: chr8-145736911-T-C.
Other names: short protein forms Y1177C.
Identifiers: ClinVar variation 528964 (VCV000528964.7), dbSNP rs1341756990, ClinGen allele CA372666053.

ClinVar aggregate classification (germline): Uncertain significance. Review status: criteria provided, multiple submitters, no conflicts (2 of 4 stars). 2 submissions from 2 submitters: Uncertain significance (2). Last evaluated 2025-05-13.

Conditions:
Baller-Gerold syndrome (BGS). Also called: CRANIOSYNOSTOSIS WITH RADIAL DEFECTS. Identifiers: Orphanet 1225, MedGen C0265308, MONDO:0009039, OMIM 218600.

Allele frequency attached by ClinVar (database versions not stated): TOPMed below 0.00001; gnomAD 0.00001; gnomAD exomes 0.00001.
gnomAD v4.1: 13 of 1,612,422 alleles (0.00081%); highest among the groups gnomAD compares: Non-Finnish European, 0.00085%; no homozygotes.

Submissions (2):

Labcorp Genetics (formerly Invitae), Labcorp
Classification: Uncertain significance for Baller-Gerold syndrome. Last evaluated: 2025-05-13. Review status: criteria provided, single submitter. Criteria: Invitae Variant Classification Sherloc (09022015). Collection method: clinical testing. Allele origin: germline.
Comment: This sequence change replaces tyrosine, which is neutral and polar, with cysteine, which is neutral and slightly polar, at codon 1177 of the RECQL4 protein (p.Tyr1177Cys). This variant is present in population databases (no rsID available, gnomAD 0.002%). This variant has not been reported in the literature in individuals affected with RECQL4-related conditions. ClinVar contains an entry for this variant (Variation ID: 528964). Invitae Evidence Modeling of protein sequence and biophysical properties (such as structural, functional, and spatial information, amino acid conservation, physicochemical variation, residue mobility, and thermodynamic stability) indicates that this missense variant is expected to disrupt RECQL4 protein function with a positive predictive value of 80%. In summary, the available evidence is currently insufficient to determine the role of this variant in disease. Therefore, it has been classified as a Variant of Uncertain Significance.

Baylor Genetics
Classification: Uncertain significance for Baller-Gerold syndrome. Last evaluated: 2023-05-18. Review status: criteria provided, single submitter. Criteria: ACMG Guidelines, 2015. Collection method: clinical testing. Allele origin: unknown.